The following is an entry in ClinVar:

NM_002796.3(PSMB4):c.18G>A (p.Gly6=)

Gene: PSMB4 (proteasome 20S subunit beta 4; plus strand). Cytogenetic location: 1q21.3.
Variant type: single nucleotide variant.
Coding change: c.18G>A on transcript NM_002796.3 (MANE Select); coding-DNA position 18, G replaced by A.
Protein change: p.Gly6=; no amino-acid change (glycine 6 retained).
Molecular consequence: synonymous variant.
Genome position (GRCh38, 1-based): chr1:151,399,605, G>A. VCF-style: chr1-151399605-G-A. GRCh37 (hg19) VCF-style: chr1-151372081-G-A.
Other names: c.18G>A (NM_002796.2).
Identifiers: ClinVar variation 1165367 (VCV001165367.13), dbSNP rs188568243, ClinGen allele CA1090550.
Genomic context (GRCh38, chr1:151,399,605, plus strand): 5'-CGTTGGCGCAAGCGCTTTCATTTTTTCTGCTACCGTGACTAAGATGGAAGCGTTTTTGGG[G>A]TCGCGGTCCGGACTTTGGGCGGGGGGTCCGGCCCCAGGACAGTTTTACCGCATTCCGTCC-3'
Protein context (NP_002787.2, residues 1-16): MEAFL[Gly6=]SRSGLWAGGP

ClinVar aggregate classification (germline): Benign/Likely benign. Review status: criteria provided, multiple submitters, no conflicts (2 of 4 stars). 4 submissions from 4 submitters: Benign (2); Likely benign (1). 1 of the submissions does not count toward it. Last evaluated 2026-01-06.

Conditions:
PSMB4-related disorder. Also called: PSMB4-related condition.

Allele frequency attached by ClinVar (database versions not stated): gnomAD 0.00026 and 0.00041; TOPMed 0.00040; gnomAD exomes 0.00092; ExAC 0.00097; 1000 Genomes Project 0.00300; 1000 Genomes Project 30x 0.00312.
gnomAD v4.1: 665 of 1,611,928 alleles (0.041%); highest among the groups gnomAD compares: East Asian, 1.1%; 1 homozygote.

Submissions (4):

Labcorp Genetics (formerly Invitae), Labcorp
Classification: Benign. Last evaluated: 2026-01-06. Review status: criteria provided, single submitter. Criteria: Invitae Variant Classification Sherloc (09022015). Collection method: clinical testing. Allele origin: germline.

Blueprint Genetics
Classification: Likely benign. Last evaluated: 2024-11-08. Review status: criteria provided, single submitter. Criteria: ACMG Guidelines, 2015. Collection method: clinical testing. Allele origin: germline.

Breakthrough Genomics
Classification: Benign. Review status: criteria provided, single submitter. Criteria: ACMG Guidelines, 2015. Collection method: not provided. Allele origin: germline. Inheritance: Autosomal recessive inheritance. Affected: yes.

PreventionGenetics, part of Exact Sciences
Classification: Benign for PSMB4-related condition. Last evaluated: 2023-12-15. Review status: no assertion criteria provided. Collection method: clinical testing. Allele origin: germline. Not counted in ClinVar's aggregate classification.
Comment: This variant is classified as benign based on ACMG/AMP sequence variant interpretation guidelines (Richards et al. 2015 PMID: 25741868, with internal and published modifications).